The following is an entry in ClinVar:

NM_006922.4(SCN3A):c.4112A>T (p.Asn1371Ile)

Gene: SCN3A (sodium voltage-gated channel alpha subunit 3; minus strand). Cytogenetic location: 2q24.3.
Variant type: single nucleotide variant.
Coding change: c.4112A>T on transcript NM_006922.4 (MANE Select); coding-DNA position 4112, A replaced by T.
Protein change: p.Asn1371Ile; replaces asparagine 1371 with isoleucine.
Molecular consequence: missense variant.
Genome position (GRCh38, 1-based): chr2:165,097,379, T>A on the plus strand (A>T on the coding strand, the complement: SCN3A is on the minus strand). VCF-style: chr2-165097379-T-A. GRCh37 (hg19) VCF-style: chr2-165953889-T-A.
Other names: c.3965A>T, p.Asn1322Ile (NM_001081676.2, NM_001081677.2); short protein forms N1322I, N1371I.
Identifiers: ClinVar variation 4800248 (VCV004800248.1).

ClinVar aggregate classification (germline): Uncertain significance (1 of 4 stars; one submission).

Submission:

Labcorp Genetics (formerly Invitae), Labcorp
Classification: Uncertain significance. Last evaluated: 2025-10-05. Review status: criteria provided, single submitter. Criteria: Invitae Variant Classification Sherloc (09022015). Collection method: clinical testing. Allele origin: germline.
Comment: This sequence change replaces asparagine, which is neutral and polar, with isoleucine, which is neutral and non-polar, at codon 1371 of the SCN3A protein (p.Asn1371Ile). This variant is not present in population databases (gnomAD no frequency). This variant has not been reported in the literature in individuals affected with SCN3A-related conditions. Invitae Evidence Modeling of protein sequence and biophysical properties (such as structural, functional, and spatial information, amino acid conservation, physicochemical variation, residue mobility, and thermodynamic stability) indicates that this missense variant is not expected to disrupt SCN3A protein function with a negative predictive value of 95%. In summary, the available evidence is currently insufficient to determine the role of this variant in disease. Therefore, it has been classified as a Variant of Uncertain Significance.